The following is an entry in ClinVar:

NM_138694.4(PKHD1):c.11026G>T (p.Gly3676Ter)

Gene: PKHD1 (PKHD1 ciliary IPT domain containing fibrocystin/polyductin; minus strand). Cytogenetic location: 6p12.3.
Variant type: single nucleotide variant.
Coding change: c.11026G>T on transcript NM_138694.4 (MANE Select); coding-DNA position 11026, G replaced by T.
Protein change: p.Gly3676Ter; replaces glycine 3676 with a stop codon.
Molecular consequence: nonsense.
Genome position (GRCh38, 1-based): chr6:51,659,100, C>A on the plus strand (G>T on the coding strand, the complement: PKHD1 is on the minus strand). VCF-style: chr6-51659100-C-A. GRCh37 (hg19) VCF-style: chr6-51523898-C-A.
Other names: c.11026G>T (NM_138694.3); short protein forms G3676*.
Identifiers: ClinVar variation 2677803 (VCV002677803.2), dbSNP rs1400212034, ClinGen allele CA364430477.

ClinVar aggregate classification (germline): Pathogenic/Likely pathogenic. Review status: criteria provided, multiple submitters, no conflicts (2 of 4 stars). 2 submissions from 2 submitters: Pathogenic (1); Likely pathogenic (1). Last evaluated 2025-03-14.

Conditions:
Polycystic kidney disease 4 (PKD4). Also called: POLYCYSTIC KIDNEY AND HEPATIC DISEASE 1; POLYCYSTIC KIDNEY DISEASE, INFANTILE, TYPE I; PKD3; POLYCYSTIC KIDNEY DISEASE 4 WITH OR WITHOUT POLYCYSTIC LIVER DISEASE; Autosomal Recessive Polycystic Kidney Disease – PKHD1. Identifiers: MedGen C4540575, MONDO:0033004, OMIM 263200.

gnomAD v4.1: 1 of 1,613,804 alleles (0.000062%); highest among the groups gnomAD compares: Non-Finnish European, 0.000085%; no homozygotes.

Submissions (2):

GeneDx
Classification: Likely pathogenic. Last evaluated: 2025-03-14. Review status: criteria provided, single submitter. Criteria: GeneDx Variant Classification Process June 2021. Collection method: clinical testing. Allele origin: germline. Affected: yes.
Comment: Reported with a second variant (phase unknown) in two siblings with kidney and liver disease in published literature (Das A et al. (2023) Journal of Rare Diseases. 2 :1); Nonsense variant predicted to result in protein truncation or nonsense mediated decay in a gene for which loss of function is a known mechanism of disease; Not observed at significant frequency in large population cohorts (gnomAD); This variant is associated with the following publications: (PMID: Das[article]2023)

Baylor Genetics
Classification: Pathogenic for Polycystic kidney disease 4. Last evaluated: 2023-06-15. Review status: criteria provided, single submitter. Criteria: ACMG Guidelines, 2015. Collection method: clinical testing. Allele origin: unknown.